The following is an entry in ClinVar:

NM_022765.4(MICAL1):c.656G>T (p.Gly219Val)

Gene: MICAL1 (microtubule associated monooxygenase, calponin and LIM domain containing 1; minus strand). Cytogenetic location: 6q21.
Variant type: single nucleotide variant.
Coding change: c.656G>T on transcript NM_022765.4 (MANE Select); coding-DNA position 656, G replaced by T.
Protein change: p.Gly219Val; replaces glycine 219 with valine.
Molecular consequence: missense variant.
Genome position (GRCh38, 1-based): chr6:109,452,531, C>A on the plus strand (G>T on the coding strand, the complement: MICAL1 is on the minus strand). VCF-style: chr6-109452531-C-A. GRCh37 (hg19) VCF-style: chr6-109773734-C-A.
Other names: c.656G>T, p.Gly219Val (NM_001159291.2); c.713G>T, p.Gly238Val (NM_001286613.2); c.656G>T (NM_022765.3); short protein forms G238V, G219V.
Identifiers: ClinVar variation 2187194 (VCV002187194.5), dbSNP rs765464483, ClinGen allele CA3953684.
Genomic context (GRCh38, chr6:109,452,531, plus strand): 5'-GCCAGAGATGCTGGCTTCTTTGAGGGAAGTGATCACTCACCTTCAGGGACGAATTTACCT[C>A]CTGCAGCCGAGATAAGGACGTCAAATTCATAGTTGGCCAGCTGGGCAGGGGGGTTGGGTT-3'
Protein context (NP_073602.3, residues 209-229): YEFDVLISAA[Gly219Val]GKFVPEGFKV

ClinVar aggregate classification (germline): Uncertain significance. Review status: criteria provided, multiple submitters, no conflicts (2 of 4 stars). 2 submissions from 2 submitters: Uncertain significance (2). Last evaluated 2026-01-18.

Allele frequency attached by ClinVar (database versions not stated): gnomAD 0.00001; ExAC 0.00003; TOPMed 0.00004.
gnomAD v4.1: 31 of 1,614,052 alleles (0.0019%); highest among the groups gnomAD compares: Admixed American, 0.05%; no homozygotes.

Submissions (2):

Labcorp Genetics (formerly Invitae), Labcorp
Classification: Uncertain significance. Last evaluated: 2026-01-18. Review status: criteria provided, single submitter. Criteria: Invitae Variant Classification Sherloc (09022015). Collection method: clinical testing. Allele origin: germline.
Comment: This sequence change replaces glycine, which is neutral and non-polar, with valine, which is neutral and non-polar, at codon 238 of the MICAL1 protein (p.Gly238Val). This variant is present in population databases (rs765464483, gnomAD 0.07%), and has an allele count higher than expected for a pathogenic variant. This variant has not been reported in the literature in individuals affected with MICAL1-related conditions. ClinVar contains an entry for this variant (Variation ID: 2187194). An algorithm developed to predict the effect of missense changes on protein structure and function (PolyPhen-2) suggests that this variant is likely to be disruptive. In summary, the available evidence is currently insufficient to determine the role of this variant in disease. Therefore, it has been classified as a Variant of Uncertain Significance.

Ambry Genetics
Classification: Uncertain significance. Last evaluated: 2024-12-03. Review status: criteria provided, single submitter. Criteria: Ambry Variant Classification Scheme 2023. Collection method: clinical testing. Allele origin: germline.